The following is an entry in ClinVar:

NM_015346.4(ZFYVE26):c.7559G>C (p.Cys2520Ser)

Gene: ZFYVE26 (zinc finger FYVE-type containing 26; minus strand). Cytogenetic location: 14q24.1.
Variant type: single nucleotide variant.
Coding change: c.7559G>C on transcript NM_015346.4 (MANE Select); coding-DNA position 7559, G replaced by C.
Protein change: p.Cys2520Ser; replaces cysteine 2520 with serine.
Molecular consequence: missense variant.
Genome position (GRCh38, 1-based): chr14:67,748,497, C>G on the plus strand (G>C on the coding strand, the complement: ZFYVE26 is on the minus strand). VCF-style: chr14-67748497-C-G. GRCh37 (hg19) VCF-style: chr14-68215214-C-G.
Other names: short protein forms C2520S.
Identifiers: ClinVar variation 528009 (VCV000528009.8), dbSNP rs1555392769, ClinGen allele CA390157154.

ClinVar aggregate classification (germline): Uncertain significance (1 of 4 stars; one submission).

Conditions:
Spastic paraplegia. Identifiers: MedGen C0037772, HP:0001258.

gnomAD v4.1: 9 of 1,613,674 alleles (0.00056%); highest among the groups gnomAD compares: Non-Finnish European, 0.00076%; no homozygotes.

Submission:

Labcorp Genetics (formerly Invitae), Labcorp
Classification: Uncertain significance for Spastic paraplegia. Last evaluated: 2021-08-31. Review status: criteria provided, single submitter. Criteria: Invitae Variant Classification Sherloc (09022015). Collection method: clinical testing. Allele origin: germline.
Comment: This sequence change replaces cysteine with serine at codon 2520 of the ZFYVE26 protein (p.Cys2520Ser). The cysteine residue is highly conserved and there is a moderate physicochemical difference between cysteine and serine. This variant is not present in population databases (ExAC no frequency). This variant has not been reported in the literature in individuals affected with ZFYVE26-related conditions. Algorithms developed to predict the effect of missense changes on protein structure and function are either unavailable or do not agree on the potential impact of this missense change (SIFT: "Deleterious"; PolyPhen-2: "Probably Damaging"; Align-GVGD: "Class C0"). In summary, the available evidence is currently insufficient to determine the role of this variant in disease. Therefore, it has been classified as a Variant of Uncertain Significance.